The following is an entry in ClinVar:

NM_175634.3(RUNX1T1):c.439A>G (p.Arg147Gly)

Gene: RUNX1T1 (RUNX1 partner transcriptional co-repressor 1; minus strand). Cytogenetic location: 8q21.3.
Variant type: single nucleotide variant.
Coding change: c.439A>G on transcript NM_175634.3 (MANE Select); coding-DNA position 439, A replaced by G.
Protein change: p.Arg147Gly; replaces arginine 147 with glycine.
Molecular consequence: missense variant.
Genome position (GRCh38, 1-based): chr8:92,014,608, T>C on the plus strand (A>G on the coding strand, the complement: RUNX1T1 is on the minus strand). VCF-style: chr8-92014608-T-C. GRCh37 (hg19) VCF-style: chr8-93026836-T-C.
Other names: c.358A>G, p.Arg120Gly (NM_001198625.2, NM_001198632.2, NM_004349.4); c.439A>G, p.Arg147Gly (NM_001198626.2, NM_001198627.2, NM_001198628.2 and 3 more transcripts); c.379A>G, p.Arg127Gly (NM_001198633.2); c.472A>G, p.Arg158Gly (NM_001198634.2); c.616A>G, p.Arg206Gly (NM_001198679.3); c.523A>G, p.Arg175Gly (NM_001395209.1); c.328A>G, p.Arg110Gly (NM_175635.3, NM_175636.2); short protein forms R110G, R120G, R127G, R147G, R158G, R175G, R206G.
Identifiers: ClinVar variation 4681089 (VCV004681089.1).
Genomic context (GRCh38, chr8:92,014,608, plus strand): 5'-AAGAAAACTGGGTTGGTTTCCATTTGCTTACCACTAGTCCCAGAACGAGGGTGCGAACTC[T>C]TTCTCCTATCTCGGGTGAAATGTCATTGCCAAACTGCTGCAGGGTAGTAAGGAACCTTTT-3'
Protein context (NP_783552.1, residues 137-157): GNDISPEIGE[Arg147Gly]VRTLVLGLVN

ClinVar aggregate classification (germline): Uncertain significance (1 of 4 stars; one submission).

gnomAD v4.1: 1 of 1,612,218 alleles (0.000062%); highest among the groups gnomAD compares: Non-Finnish European, 0.000085%; no homozygotes.

Submission:

GeneDx
Classification: Uncertain significance. Last evaluated: 2025-07-03. Review status: criteria provided, single submitter. Criteria: GeneDx Variant Classification Process June 2021. Collection method: clinical testing. Allele origin: germline. Affected: yes.
Comment: Not observed at significant frequency in large population cohorts (gnomAD); In silico analysis supports that this missense variant has a deleterious effect on protein structure/function; Has not been previously published as pathogenic or benign to our knowledge